The following is an entry in ClinVar:

ClinVar aggregate classification (germline): Uncertain significance (1 of 4 stars; one submission).

Conditions:
Fanconi anemia complementation group O. Also called: RAD51C-Related Fanconi Anemia. Identifiers: Orphanet 84, MedGen C3150653, MONDO:0013248, OMIM 613390.

gnomAD v4.1: 1 of 1,610,204 alleles (0.000062%); highest among the groups gnomAD compares: Non-Finnish European, 0.000085%; no homozygotes.

Submission:

Labcorp Genetics (formerly Invitae), Labcorp
Classification: Uncertain significance for Fanconi anemia complementation group O. Last evaluated: 2024-12-17. Review status: criteria provided, single submitter. Criteria: Invitae Variant Classification Sherloc (09022015). Collection method: clinical testing. Allele origin: germline.
Comment: This sequence change falls in intron 8 of the RAD51C gene. It does not directly change the encoded amino acid sequence of the RAD51C protein. This variant is not present in population databases (gnomAD no frequency). This variant has not been reported in the literature in individuals affected with RAD51C-related conditions. Algorithms developed to predict the effect of sequence changes on RNA splicing suggest that this variant may disrupt the consensus splice site. In summary, the available evidence is currently insufficient to determine the role of this variant in disease. Therefore, it has been classified as a Variant of Uncertain Significance.

NM_058216.3(RAD51C):c.1027-7C>A

Gene: RAD51C (RAD51 paralog C; plus strand). Cytogenetic location: 17q22.
Variant type: single nucleotide variant.
Coding change: c.1027-7C>A on transcript NM_058216.3 (MANE Select); 7 bases into the intron before coding-DNA position 1027, C replaced by A.
Molecular consequence: intron variant.
Genome position (GRCh38, 1-based): chr17:58,734,111, C>A. VCF-style: chr17-58734111-C-A. GRCh37 (hg19) VCF-style: chr17-56811472-C-A.
Identifiers: ClinVar variation 3727437 (VCV003727437.2).